The following is an entry in ClinVar:

ClinVar aggregate classification (germline): Uncertain significance (1 of 4 stars; one submission).

Allele frequency attached by ClinVar (database versions not stated): gnomAD exomes below 0.00001; ExAC 0.00001; gnomAD 0.00001; TOPMed 0.00002.
gnomAD v4.1: 9 of 1,613,950 alleles (0.00056%); highest among the groups gnomAD compares: African/African-American, 0.0027%; no homozygotes.

Submission:

Labcorp Genetics (formerly Invitae), Labcorp
Classification: Uncertain significance. Last evaluated: 2022-02-20. Review status: criteria provided, single submitter. Criteria: Invitae Variant Classification Sherloc (09022015). Collection method: clinical testing. Allele origin: germline.
Comment: Algorithms developed to predict the effect of missense changes on protein structure and function output the following: SIFT: "Not Available"; PolyPhen-2: "Benign"; Align-GVGD: "Not Available". The glutamine amino acid residue is found in multiple mammalian species, which suggests that this missense change does not adversely affect protein function. This sequence change replaces arginine, which is basic and polar, with glutamine, which is neutral and polar, at codon 1776 of the CEP250 protein (p.Arg1776Gln). This variant is present in population databases (rs769073349, gnomAD 0.003%). This variant has not been reported in the literature in individuals affected with CEP250-related conditions. In summary, the available evidence is currently insufficient to determine the role of this variant in disease. Therefore, it has been classified as a Variant of Uncertain Significance.

NM_007186.6(CEP250):c.5327G>A (p.Arg1776Gln)

Gene: CEP250 (centrosomal protein 250; plus strand). Cytogenetic location: 20q11.22.
Variant type: single nucleotide variant.
Coding change: c.5327G>A on transcript NM_007186.6 (MANE Select); coding-DNA position 5327, G replaced by A.
Protein change: p.Arg1776Gln; replaces arginine 1776 with glutamine.
Molecular consequence: missense variant.
Genome position (GRCh38, 1-based): chr20:35,503,696, G>A. VCF-style: chr20-35503696-G-A. GRCh37 (hg19) VCF-style: chr20-34091524-G-A.
Other names: c.3431G>A, p.Arg1144Gln (NM_001318219.1); short protein forms R1144Q, R1776Q.
Identifiers: ClinVar variation 2413326 (VCV002413326.5), dbSNP rs769073349, ClinGen allele CA9833868.